The following is an entry in ClinVar:

ClinVar aggregate classification (germline): Conflicting classifications of pathogenicity. Review status: criteria provided, conflicting classifications (1 of 4 stars). 2 submissions from 2 submitters: Uncertain significance (1); Likely benign (1). Last evaluated 2026-01-01.

Conditions:
Inborn genetic diseases. Identifiers: MedGen C0950123, MeSH D030342.

Allele frequency attached by ClinVar (database versions not stated): TOPMed 0.00002; gnomAD exomes 0.00002; gnomAD 0.00003; ExAC 0.00008; ESP Exome Variant Server 0.00008.

Submissions (2):

CeGaT Center for Human Genetics Tuebingen
Classification: Likely benign. Last evaluated: 2026-01-01. Review status: criteria provided, single submitter. Criteria: CeGaT Center For Human Genetics Tuebingen Variant Classification Criteria Version 2. Collection method: clinical testing. Allele origin: germline. Affected: yes. Observed: 2 variant alleles.
Comment: SRRM2: BP4

Ambry Genetics
Classification: Uncertain significance for Inborn genetic diseases. Last evaluated: 2022-01-03. Review status: criteria provided, single submitter. Criteria: Ambry Variant Classification Scheme 2023. Collection method: clinical testing. Allele origin: germline.

NM_016333.4(SRRM2):c.2747A>G (p.Gln916Arg)

Gene: SRRM2 (serine/arginine repetitive matrix 2; plus strand). Cytogenetic location: 16p13.3.
Variant type: single nucleotide variant.
Coding change: c.2747A>G on transcript NM_016333.4 (MANE Select); coding-DNA position 2747, A replaced by G.
Protein change: p.Gln916Arg; replaces glutamine 916 with arginine.
Molecular consequence: missense variant.
Genome position (GRCh38, 1-based): chr16:2,763,275, A>G. VCF-style: chr16-2763275-A-G. GRCh37 (hg19) VCF-style: chr16-2813276-A-G.
Other names: short protein forms Q916R.
Identifiers: ClinVar variation 2411506 (VCV002411506.6), dbSNP rs200521800, ClinGen allele CA7847704.
Genomic context (GRCh38, chr16:2,763,275, plus strand): 5'-CTCCTAGAGTGAAATCTAGCACACCTCCCAGACAGAGCCCATCTAGGTCATCATCTCCAC[A>G]ACCCAAAGTGAAGGCAATAATATCACCAAGACAAAGAAGCCATTCTGGCTCCTCTTCTCC-3'
Protein context (NP_057417.3, residues 906-926): RQSPSRSSSP[Gln916Arg]PKVKAIISPR